The following is an entry in ClinVar:

ClinVar aggregate classification (germline): Uncertain significance. Review status: criteria provided, multiple submitters, no conflicts (2 of 4 stars). 2 submissions from 2 submitters: Uncertain significance (2). Last evaluated 2024-12-17.

Conditions:
Hereditary cancer-predisposing syndrome. Also called: Neoplastic Syndromes, Hereditary; Hereditary neoplastic syndrome; Tumor predisposition; Hereditary Cancer Syndrome. Identifiers: Orphanet 140162, MedGen C0027672, MeSH D009386, MONDO:0015356.
Neuroblastoma, susceptibility to, 3. Also called: ALK-Related Neuroblastic Tumor Susceptibility. Identifiers: Orphanet 635, MedGen C2751681, MONDO:0013083, OMIM 613014.

Submissions (2):

Ambry Genetics
Classification: Uncertain significance for Hereditary cancer-predisposing syndrome. Last evaluated: 2024-12-17. Review status: criteria provided, single submitter. Criteria: Ambry Variant Classification Scheme 2023. Collection method: clinical testing. Allele origin: germline.
Comment: The c.3360-1G>T intronic variant results from a G to T substitution one nucleotide upstream from coding exon 21 of the ALK gene. This nucleotide position is highly conserved in available vertebrate species. In silico splice site analysis predicts that this alteration will weaken the native splice acceptor site and may result in the creation or strengthening of a novel splice acceptor site. Alterations that disrupt the canonical splice site are expected to cause aberrant splicing, resulting in an abnormal protein or a transcript that is subject to nonsense-mediated mRNA decay. However, loss of function of ALK has not been established as a mechanism of disease. Based on the available evidence, the clinical significance of this alteration remains unclear.

Labcorp Genetics (formerly Invitae), Labcorp
Classification: Uncertain significance for Neuroblastoma, susceptibility to, 3. Last evaluated: 2024-01-19. Review status: criteria provided, single submitter. Criteria: Invitae Variant Classification Sherloc (09022015). Collection method: clinical testing. Allele origin: germline.
Comment: This sequence change affects an acceptor splice site in intron 20 of the ALK gene. It is expected to disrupt RNA splicing. Variants that disrupt the donor or acceptor splice site typically lead to a loss of protein function (PMID: 16199547), however the current clinical and genetic evidence is not sufficient to establish whether loss-of-function variants in ALK cause disease. This variant is not present in population databases (gnomAD no frequency). This variant has not been reported in the literature in individuals affected with ALK-related conditions. ClinVar contains an entry for this variant (Variation ID: 663088). Algorithms developed to predict the effect of sequence changes on RNA splicing suggest that this variant may disrupt the consensus splice site. In summary, the available evidence is currently insufficient to determine the role of this variant in disease. Therefore, it has been classified as a Variant of Uncertain Significance.

Literature cited by the submitters: PubMed 16199547 (cited by Labcorp Genetics (formerly Invitae), Labcorp).

NM_004304.5(ALK):c.3360-1G>T

Gene: ALK (ALK receptor tyrosine kinase; minus strand). Cytogenetic location: 2p23.2.
Variant type: single nucleotide variant.
Coding change: c.3360-1G>T on transcript NM_004304.5 (MANE Select); the canonical splice acceptor site of the intron before coding-DNA position 3360, G replaced by T.
Molecular consequence: splice acceptor variant.
Genome position (GRCh38, 1-based): chr2:29,222,608, C>A on the plus strand (G>T on the coding strand, the complement: ALK is on the minus strand). VCF-style: chr2-29222608-C-A. GRCh37 (hg19) VCF-style: chr2-29445474-C-A.
Other names: c.156-1G>T (NM_001353765.2).
Identifiers: ClinVar variation 663088 (VCV000663088.8), dbSNP rs1573123877, ClinGen allele CA346464384.